The following is an entry in ClinVar:

NM_145239.3(PRRT2):c.751= (p.Leu251=)

Genes: MVP-DT (MVP divergent transcript; minus strand), PRRT2 (proline rich transmembrane protein 2; plus strand). Cytogenetic location: 16p11.2.
Variant type: single nucleotide variant.
Coding change: c.751= on transcript NM_145239.3 (MANE Select); coding-DNA position 751, no change from the reference sequence.
Protein change: p.Leu251=; no amino-acid change (leucine 251 retained).
Molecular consequence: no sequence alteration.
Genome position: GRCh38 VCF-style: chr16-29813805-T-T. GRCh37 (hg19) VCF-style: chr16-29825126-T-T.
Other names: p.L251L:CTG>TTG; c.751=, p.Leu251= (NM_001256442.2, NM_001256443.2).
Identifiers: ClinVar variation 138815 (VCV000138815.14), dbSNP rs11150573.

ClinVar aggregate classification (germline): Benign. Review status: criteria provided, multiple submitters, no conflicts (2 of 4 stars). 3 submissions from 3 submitters: Benign (3). Last evaluated 2026-02-02.

Conditions:
Episodic kinesigenic dyskinesia (EKD). Also called: Paroxysmal kinesigenic dyskinesia. Identifiers: Orphanet 98809, MedGen C1868682, MONDO:0044202.

Allele frequency attached by ClinVar (database versions not stated): gnomAD exomes 0.00065 and 0.00164; ExAC 0.00204; gnomAD 0.00684 and 0.00723; TOPMed 0.00757; 1000 Genomes Project 0.00819; 1000 Genomes Project 30x 0.00890; ESP Exome Variant Server 0.00924.

Submissions (3):

Labcorp Genetics (formerly Invitae), Labcorp
Classification: Benign for Episodic kinesigenic dyskinesia. Last evaluated: 2026-02-02. Review status: criteria provided, single submitter. Criteria: Invitae Variant Classification Sherloc (09022015). Collection method: clinical testing. Allele origin: germline.

Athena Diagnostics
Classification: Benign. Last evaluated: 2025-02-04. Review status: criteria provided, single submitter. Criteria: Athena Diagnostics Criteria. Collection method: clinical testing. Allele origin: unknown.
Comment: The frequency of this variant in the general population is higher than would generally be expected for pathogenic variants in this gene.

GeneDx
Classification: Benign. Last evaluated: 2014-03-31. Review status: criteria provided, single submitter. Criteria: GeneDx Variant Classification (06012015). Collection method: clinical testing. Allele origin: germline. Affected: yes.
Comment: This variant is considered likely benign or benign based on one or more of the following criteria: it is a conservative change, it occurs at a poorly conserved position in the protein, it is predicted to be benign by multiple in silico algorithms, and/or has population frequency not consistent with disease.

Literature cited by the submitters: PubMed 24594579 (cited by Athena Diagnostics); PubMed 26944167 (cited by Athena Diagnostics).